The following is an entry in ClinVar:

NM_021629.4(GNB4):c.848G>C (p.Arg283Pro)

Gene: GNB4 (G protein subunit beta 4; minus strand). Cytogenetic location: 3q26.33.
Variant type: single nucleotide variant.
Coding change: c.848G>C on transcript NM_021629.4 (MANE Select); coding-DNA position 848, G replaced by C.
Protein change: p.Arg283Pro; replaces arginine 283 with proline.
Molecular consequence: missense variant.
Genome position (GRCh38, 1-based): chr3:179,405,258, C>G on the plus strand (G>C on the coding strand, the complement: GNB4 is on the minus strand). VCF-style: chr3-179405258-C-G. GRCh37 (hg19) VCF-style: chr3-179123046-C-G.
Other names: short protein forms R283P.
Identifiers: ClinVar variation 408271 (VCV000408271.9), dbSNP rs186593898, ClinGen allele CA16611304.

ClinVar aggregate classification (germline): Uncertain significance (1 of 4 stars; one submission).

Conditions:
Charcot-Marie-Tooth disease dominant intermediate F. Identifiers: Orphanet 352670, MedGen C4749463, MONDO:0014074, OMIM 615185.

Submission:

Labcorp Genetics (formerly Invitae), Labcorp
Classification: Uncertain significance for Charcot-Marie-Tooth disease dominant intermediate F. Last evaluated: 2023-10-11. Review status: criteria provided, single submitter. Criteria: Invitae Variant Classification Sherloc (09022015). Collection method: clinical testing. Allele origin: germline.
Comment: This sequence change replaces arginine, which is basic and polar, with proline, which is neutral and non-polar, at codon 283 of the GNB4 protein (p.Arg283Pro). This variant is not present in population databases (gnomAD no frequency). This variant has not been reported in the literature in individuals affected with GNB4-related conditions. ClinVar contains an entry for this variant (Variation ID: 408271). Advanced modeling of protein sequence and biophysical properties (such as structural, functional, and spatial information, amino acid conservation, physicochemical variation, residue mobility, and thermodynamic stability) performed at Invitae indicates that this missense variant is expected to disrupt GNB4 protein function. In summary, the available evidence is currently insufficient to determine the role of this variant in disease. Therefore, it has been classified as a Variant of Uncertain Significance.